The following is an entry in ClinVar:

NM_018993.4(RIN2):c.536+16C>G

Gene: RIN2 (Ras and Rab interactor 2; plus strand). Cytogenetic location: 20p11.23.
Variant type: single nucleotide variant.
Coding change: c.536+16C>G on transcript NM_018993.4 (MANE Select); 16 bases into the intron after coding-DNA position 536, C replaced by G.
Molecular consequence: intron variant.
Genome position (GRCh38, 1-based): chr20:19,965,040, C>G. VCF-style: chr20-19965040-C-G. GRCh37 (hg19) VCF-style: chr20-19945684-C-G.
Other names: c.-83+4229C>G (NM_001378238.1); c.683+16C>G (NM_001242581.2).
Identifiers: ClinVar variation 514345 (VCV000514345.5), dbSNP rs374006351, ClinGen allele CA9779853.
Genomic context (GRCh38, chr20:19,965,040, plus strand): 5'-TTTCGCAGATTTATTCCGGCTCATTGCTTTCTACTGCATCAGCAGGTAAGGCCTCTTCCT[C>G]TCATATGGTTTCAAGGCCCTGTTTGGTGTGTGGGATATAATTAACCTGAGGTTTCTTGAA-3'

ClinVar aggregate classification (germline): Likely benign. Review status: criteria provided, multiple submitters, no conflicts (2 of 4 stars). 2 submissions from 2 submitters: Likely benign (2). Last evaluated 2026-02-02.

Allele frequency attached by ClinVar (database versions not stated): ESP Exome Variant Server 0.00008; ExAC 0.00009; gnomAD 0.00009 and 0.00010; TOPMed 0.00009.
gnomAD v4.1: 207 of 1,603,654 alleles (0.013%); highest among the groups gnomAD compares: Non-Finnish European, 0.017%; no homozygotes.

Submissions (2):

Labcorp Genetics (formerly Invitae), Labcorp
Classification: Likely benign. Last evaluated: 2026-02-02. Review status: criteria provided, single submitter. Criteria: Invitae Variant Classification Sherloc (09022015). Collection method: clinical testing. Allele origin: germline.

GeneDx
Classification: Likely benign. Last evaluated: 2018-01-10. Review status: criteria provided, single submitter. Criteria: GeneDx Variant Classification (06012015). Collection method: clinical testing. Allele origin: germline. Affected: yes.
Comment: This variant is considered likely benign or benign based on one or more of the following criteria: it is a conservative change, it occurs at a poorly conserved position in the protein, it is predicted to be benign by multiple in silico algorithms, and/or has population frequency not consistent with disease.